The following is an entry in ClinVar:

NM_181332.3(NLGN4X):c.1864C>G (p.Pro622Ala)

Gene: NLGN4X (neuroligin 4 X-linked; minus strand). Cytogenetic location: Xp22.32.
Variant type: single nucleotide variant.
Coding change: c.1864C>G on transcript NM_181332.3 (MANE Select); coding-DNA position 1864, C replaced by G.
Protein change: p.Pro622Ala; replaces proline 622 with alanine.
Molecular consequence: missense variant.
Genome position (GRCh38, 1-based): chrX:5,893,404, G>C on the plus strand (C>G on the coding strand, the complement: NLGN4X is on the minus strand). VCF-style: chrX-5893404-G-C. GRCh37 (hg19) VCF-style: chrX-5811445-G-C.
Other names: c.1864C>G, p.Pro622Ala (NM_001282146.2, NM_020742.4, NM_001282145.2); short protein forms P622A.
Identifiers: ClinVar variation 3360334 (VCV003360334.2).

ClinVar aggregate classification (germline): Uncertain significance. Review status: criteria provided, multiple submitters, no conflicts (2 of 4 stars). 2 submissions from 2 submitters: Uncertain significance (2). Last evaluated 2025-10-20.

Submissions (2):

Women's Health and Genetics/Laboratory Corporation of America, LabCorp
Classification: Uncertain significance. Last evaluated: 2025-10-20. Review status: criteria provided, single submitter. Criteria: LabCorp Variant Classification Summary - May 2015. Collection method: clinical testing. Allele origin: germline.
Comment: Variant summary: NLGN4X c.1864C>G (p.Pro622Ala) results in a non-conservative amino acid change in the encoded protein sequence. Algorithms developed to predict the effect of missense changes on protein structure and function are either unavailable or do not agree on the potential impact of this missense change. The variant was absent in 183172 control chromosomes. The available data on variant occurrences in the general population are insufficient to allow any conclusion about variant significance. To our knowledge, no occurrence of c.1864C>G in individuals affected with NLGN4X-related conditions and no experimental evidence demonstrating its impact on protein function have been reported. ClinVar contains an entry for this variant (Variation ID: 3360334). Based on the evidence outlined above, the variant was classified as uncertain significance.

GeneDx
Classification: Uncertain significance. Last evaluated: 2023-06-23. Review status: criteria provided, single submitter. Criteria: GeneDx Variant Classification Process June 2021. Collection method: clinical testing. Allele origin: germline. Affected: yes.
Comment: Not observed at significant frequency in large population cohorts (gnomAD); In silico analysis supports that this missense variant does not alter protein structure/function; Has not been previously published as pathogenic or benign to our knowledge